The following is an entry in ClinVar:

ClinVar aggregate classification (germline): Uncertain significance (1 of 4 stars; one submission).

Conditions:
Inborn genetic diseases. Identifiers: MedGen C0950123, MeSH D030342.

Submission:

Ambry Genetics
Classification: Uncertain significance for Inborn genetic diseases. Last evaluated: 2022-02-12. Review status: criteria provided, single submitter. Criteria: Ambry Variant Classification Scheme 2023. Collection method: clinical testing. Allele origin: germline.
Comment: The p.H543Q variant (also known as c.1629C>A), located in coding exon 14 of the LRRK2 gene, results from a C to A substitution at nucleotide position 1629. The histidine at codon 543 is replaced by glutamine, an amino acid with highly similar properties. This amino acid position is conserved. In addition, this alteration is predicted to be tolerated by in silico analysis. Since supporting evidence is limited at this time, the clinical significance of this alteration remains unclear.

NM_198578.4(LRRK2):c.1629C>A (p.His543Gln)

Gene: LRRK2 (leucine rich repeat kinase 2; plus strand). Cytogenetic location: 12q12.
Variant type: single nucleotide variant.
Coding change: c.1629C>A on transcript NM_198578.4 (MANE Select); coding-DNA position 1629, C replaced by A.
Protein change: p.His543Gln; replaces histidine 543 with glutamine.
Molecular consequence: missense variant.
Genome position (GRCh38, 1-based): chr12:40,263,874, C>A. VCF-style: chr12-40263874-C-A. GRCh37 (hg19) VCF-style: chr12-40657676-C-A.
Other names: short protein forms H543Q.
Identifiers: ClinVar variation 1776753 (VCV001776753.2), dbSNP rs2499572540, ClinGen allele CA384399155.
Genomic context (GRCh38, chr12:40,263,874, plus strand): 5'-TACAGAATTTCATCATAAGCTAAATATGGTTAAAAAACAGTGTTTCAAGAATGATATTCA[C>A]AAACTGGTCCTAGCAGCTTTGAACAGGGTATGTTGAATATAAGTTTTCTGTATTTATACT-3'
Protein context (NP_940980.4, residues 533-553): VKKQCFKNDI[His543Gln]KLVLAALNRF